The following is an entry in ClinVar:

ClinVar aggregate classification (germline): Uncertain significance. Review status: criteria provided, multiple submitters, no conflicts (2 of 4 stars). 2 submissions from 2 submitters: Uncertain significance (2). Last evaluated 2025-08-13.

Allele frequency attached by ClinVar (database versions not stated): gnomAD exomes 0.00008; gnomAD 0.00015.
gnomAD v4.1: 71 of 793,120 alleles (0.009%); highest among the groups gnomAD compares: South Asian, 0.27%; 1 homozygote.

Submissions (2):

Labcorp Genetics (formerly Invitae), Labcorp
Classification: Uncertain significance. Last evaluated: 2025-08-13. Review status: criteria provided, single submitter. Criteria: Invitae Variant Classification Sherloc (09022015). Collection method: clinical testing. Allele origin: germline.
Comment: This sequence change replaces arginine, which is basic and polar, with leucine, which is neutral and non-polar, at codon 801 of the SYNPO protein (p.Arg801Leu). This variant is present in population databases (no rsID available, gnomAD 0.2%). This variant has not been reported in the literature in individuals affected with SYNPO-related conditions. ClinVar contains an entry for this variant (Variation ID: 2394798). An algorithm developed to predict the effect of missense changes on protein structure and function (PolyPhen-2) suggests that this variant is likely to be disruptive. In summary, the available evidence is currently insufficient to determine the role of this variant in disease. Therefore, it has been classified as a Variant of Uncertain Significance.

Ambry Genetics
Classification: Uncertain significance. Last evaluated: 2022-12-15. Review status: criteria provided, single submitter. Criteria: Ambry Variant Classification Scheme 2023. Collection method: clinical testing. Allele origin: germline.

NM_007286.6(SYNPO):c.2402G>T (p.Arg801Leu)

Genes: SYNPO (synaptopodin; plus strand), LOC129995011 (ATAC-STARR-seq lymphoblastoid silent region 16516; plus strand). Cytogenetic location: 5q33.1.
Variant type: single nucleotide variant.
Coding change: c.2402G>T on transcript NM_007286.6 (MANE Select); coding-DNA position 2402, G replaced by T.
Protein change: p.Arg801Leu; replaces arginine 801 with leucine.
Molecular consequence: missense variant.
Genome position (GRCh38, 1-based): chr5:150,656,777, G>T. VCF-style: chr5-150656777-G-T. GRCh37 (hg19) VCF-style: chr5-150036339-G-T.
Other names: short protein forms R801L.
Identifiers: ClinVar variation 2394798 (VCV002394798.3), dbSNP rs1360038423, ClinGen allele CA361771087.